The following is an entry in ClinVar:

ClinVar aggregate classification (germline): Pathogenic (1 of 4 stars; one submission).

Conditions:
Cardiac anomalies - developmental delay - facial dysmorphism syndrome (MRFACD). Also called: Impaired intellectual development and distinctive facial features with or without cardiac defects; MED13L Syndrome. Identifiers: Orphanet 369891, MedGen C5192431, MONDO:0014773, OMIM 616789.

Submission:

Institute of Human Genetics, University of Leipzig Medical Center
Classification: Pathogenic for Cardiac anomalies - developmental delay - facial dysmorphism syndrome. Last evaluated: 2019-08-28. Review status: criteria provided, single submitter. Criteria: ACMG Guidelines, 2015. Collection method: clinical testing. Allele origin: germline. Affected: yes. Observed: 1 variant allele.
Comment: This variant was identified as de novo

NM_015335.5(MED13L):c.760_1175+967del

Gene: MED13L (mediator complex subunit 13L; minus strand). Cytogenetic location: 12q24.21.
Variant type: Deletion.
Coding change: c.760_1175+967del on transcript NM_015335.5 (MANE Select); coding-DNA position 760 through 967 bases into the intron after coding-DNA position 1175, 5,697 bases deleted.
Molecular consequence: splice acceptor variant, splice donor variant.
Genome position (GRCh38, 1-based): chr12:116,014,142-116,019,838, 5,697 bases deleted. GRCh37 (hg19): chr12:116,451,947-116,457,643.
Identifiers: ClinVar variation 976020 (VCV000976020.1), ClinGen allele CA1139662903.